The following is an entry in ClinVar:

NM_001352514.2(HLCS):c.2030del (p.Leu677fs)

Gene: HLCS (holocarboxylase synthetase; minus strand). Cytogenetic location: 21q22.13.
Variant type: Deletion.
Coding change: c.2030del on transcript NM_001352514.2 (MANE Select); coding-DNA position 2030, one base deleted (T; older notation c.2030delT).
Protein change: p.Leu677fs; shifts the reading frame from leucine 677.
Molecular consequence: frameshift variant. On other transcripts: non-coding transcript variant (2).
Genome position (GRCh38, 1-based): chr21:36,765,103, A deleted on the plus strand (T on the coding strand, the reverse complement: HLCS is on the minus strand). VCF-style (leftmost placement, unchanged base first): chr21-36765102-CA-C. GRCh37 (hg19) VCF-style: chr21-38137403-CA-C.
Other names: c.1589del, p.Leu530fs (NM_000411.8, NM_001242784.3, NM_001242785.2 and 4 more transcripts); short protein forms L677fs, L530fs.
Identifiers: ClinVar variation 2736989 (VCV002736989.3), dbSNP rs2516872606, ClinGen allele CA2695230190.

ClinVar aggregate classification (germline): Pathogenic (1 of 4 stars; one submission).

Conditions:
Holocarboxylase synthetase deficiency. Also called: MULTIPLE CARBOXYLASE DEFICIENCY, EARLY ONSET. Identifiers: Orphanet 79242, MedGen C0268581, MONDO:0009666, OMIM 253270.

Submission:

Labcorp Genetics (formerly Invitae), Labcorp
Classification: Pathogenic for Holocarboxylase synthetase deficiency. Last evaluated: 2023-01-21. Review status: criteria provided, single submitter. Criteria: Invitae Variant Classification Sherloc (09022015). Collection method: clinical testing. Allele origin: germline.
Comment: This sequence change creates a premature translational stop signal (p.Leu530Argfs*15) in the HLCS gene. It is expected to result in an absent or disrupted protein product. Loss-of-function variants in HLCS are known to be pathogenic (PMID: 16134170). This variant is not present in population databases (gnomAD no frequency). For these reasons, this variant has been classified as Pathogenic. Algorithms developed to predict the effect of sequence changes on RNA splicing suggest that this variant may create or strengthen a splice site. This premature translational stop signal has been observed in individual(s) with holocarboxylase synthetase deficiency (PMID: 10190325).

Literature cited by the submitters: PubMed 16134170; PubMed 10190325.